The following is an entry in ClinVar:

ClinVar aggregate classification (germline): Uncertain significance (1 of 4 stars; one submission).

gnomAD v4.1: 32 of 1,612,978 alleles (0.002%); highest among the groups gnomAD compares: African/African-American, 0.0027%; no homozygotes.

Submission:

Women's Health and Genetics/Laboratory Corporation of America, LabCorp
Classification: Uncertain significance. Last evaluated: 2024-11-04. Review status: criteria provided, single submitter. Criteria: LabCorp Variant Classification Summary - May 2015. Collection method: clinical testing. Allele origin: germline.
Comment: Variant summary: POLH c.790G>C (p.Ala264Pro) results in a non-conservative amino acid change located in the DNA Polymerase eta domain (cd01702) of the encoded protein sequence. Three of five in-silico tools predict a benign effect of the variant on protein function. The variant allele was found at a frequency of 1.6e-05 in 251412 control chromosomes. The available data on variant occurrences in the general population are insufficient to allow any conclusion about variant significance. c.790G>C has been reported in the literature in a compound heterozygous individual affected with Xeroderma Pigmentosum (Fassihi_2016). These report(s) do not provide unequivocal conclusions about association of the variant with Xeroderma Pigmentosum. To our knowledge, no experimental evidence demonstrating an impact on protein function has been reported. The following publication have been ascertained in the context of this evaluation (PMID: 26884178). No submitters have cited clinical-significance assessments for this variant to ClinVar. Based on the evidence outlined above, the variant was classified as uncertain significance.

Literature cited by the submitters: PubMed 26884178.

NM_006502.3(POLH):c.790G>C (p.Ala264Pro)

Gene: POLH (DNA polymerase eta; plus strand). Cytogenetic location: 6p21.1.
Variant type: single nucleotide variant.
Coding change: c.790G>C on transcript NM_006502.3 (MANE Select); coding-DNA position 790, G replaced by C.
Protein change: p.Ala264Pro; replaces alanine 264 with proline.
Molecular consequence: missense variant.
Genome position (GRCh38, 1-based): chr6:43,603,917, G>C. VCF-style: chr6-43603917-G-C. GRCh37 (hg19) VCF-style: chr6-43571654-G-C.
Other names: c.418G>C, p.Ala140Pro (NM_001291969.2); c.790G>C, p.Ala264Pro (NM_001291970.2); short protein forms A140P, A264P.
Identifiers: ClinVar variation 3629831 (VCV003629831.1).
Genomic context (GRCh38, chr6:43,603,917, plus strand): 5'-GTGACCTATCAATTCTTTGTCTCCTTTGTTATCAGCCGTAGTCTTGGAGGAAAGCTAGGG[G>C]CCTCTGTCATTGAGATCCTAGGGATAGAATACATGGGTGAACTGACCCAGTTCACTGAAT-3'
Protein context (NP_006493.1, residues 254-274): KIRSLGGKLG[Ala264Pro]SVIEILGIEY